The following is an entry in ClinVar:

ClinVar aggregate classification (germline): Conflicting classifications of pathogenicity. Review status: criteria provided, conflicting classifications (1 of 4 stars). 2 submissions from 2 submitters: Uncertain significance (1); Likely benign (1). Last evaluated 2022-08-10.

Allele frequency attached by ClinVar (database versions not stated): 1000 Genomes Project 30x 0.00031.
gnomAD v4.1: 3 of 1,376,144 alleles (0.00022%); highest among the groups gnomAD compares: East Asian, 0.0031%; no homozygotes.

Submissions (2):

Labcorp Genetics (formerly Invitae), Labcorp
Classification: Uncertain significance. Last evaluated: 2022-08-10. Review status: criteria provided, single submitter. Criteria: Invitae Variant Classification Sherloc (09022015). Collection method: clinical testing. Allele origin: germline.
Comment: In summary, the available evidence is currently insufficient to determine the role of this variant in disease. Therefore, it has been classified as a Variant of Uncertain Significance. Advanced modeling of protein sequence and biophysical properties (such as structural, functional, and spatial information, amino acid conservation, physicochemical variation, residue mobility, and thermodynamic stability) performed at Invitae indicates that this missense variant is not expected to disrupt ARID1A protein function. ClinVar contains an entry for this variant (Variation ID: 434331). This variant has not been reported in the literature in individuals affected with ARID1A-related conditions. This variant is not present in population databases (gnomAD no frequency). This sequence change replaces proline, which is neutral and non-polar, with leucine, which is neutral and non-polar, at codon 109 of the ARID1A protein (p.Pro109Leu).

Genetic Services Laboratory, University of Chicago
Classification: Likely benign. Last evaluated: 2016-12-02. Review status: criteria provided, single submitter. Criteria: ACMG Guidelines, 2015. Collection method: clinical testing. Allele origin: germline. Affected: no.

NM_006015.6(ARID1A):c.326C>T (p.Pro109Leu)

Gene: ARID1A (AT-rich interaction domain 1A; plus strand). Cytogenetic location: 1p36.11.
Variant type: single nucleotide variant.
Coding change: c.326C>T on transcript NM_006015.6 (MANE Select); coding-DNA position 326, C replaced by T.
Protein change: p.Pro109Leu; replaces proline 109 with leucine.
Molecular consequence: missense variant.
Genome position (GRCh38, 1-based): chr1:26,696,729, C>T. VCF-style: chr1-26696729-C-T. GRCh37 (hg19) VCF-style: chr1-27023220-C-T.
Other names: c.326C>T (LRG_875t1); c.326C>T, p.Pro109Leu (NM_139135.4); short protein forms P109L.
Identifiers: ClinVar variation 434331 (VCV000434331.10), dbSNP rs1167372383, ClinGen allele CA339264882.